The following is an entry in ClinVar:

NM_138459.5(NUS1):c.640A>T (p.Lys214Ter)

Gene: NUS1 (NUS1 dehydrodolichyl diphosphate synthase subunit; plus strand). Cytogenetic location: 6q22.1.
Variant type: single nucleotide variant.
Coding change: c.640A>T on transcript NM_138459.5 (MANE Select); coding-DNA position 640, A replaced by T.
Protein change: p.Lys214Ter; replaces lysine 214 with a stop codon.
Molecular consequence: nonsense.
Genome position (GRCh38, 1-based): chr6:117,694,129, A>T. VCF-style: chr6-117694129-A-T. GRCh37 (hg19) VCF-style: chr6-118015292-A-T.
Other names: short protein forms K214*.
Identifiers: ClinVar variation 3770204 (VCV003770204.1).

ClinVar aggregate classification (germline): Likely pathogenic (1 of 4 stars; one submission).

Conditions:
Intellectual developmental disorder, autosomal dominant 55, with seizures. Also called: MENTAL RETARDATION, AUTOSOMAL DOMINANT 55, WITH SEIZURES; Intellectual disability, autosomal dominant 55, with seizures. Identifiers: MedGen C4693371, MONDO:0030921, OMIM 617831.

Submission:

Department of Neurology, Zibo Changguo Hospital
Classification: Likely pathogenic for Intellectual developmental disorder, autosomal dominant 55, with seizures. Last evaluated: 2025-01-09. Review status: criteria provided, single submitter. Criteria: ACMG Guidelines, 2015. Collection method: clinical testing. Allele origin: germline. Inheritance: Autosomal dominant inheritance. Affected: yes.
Comment: PVS1, PM2_Supporting, PP4